The following is an entry in ClinVar:

NM_001004356.3(FGFRL1):c.1271G>T (p.Arg424Leu)

Gene: FGFRL1 (fibroblast growth factor receptor like 1; plus strand). Cytogenetic location: 4p16.3.
Variant type: single nucleotide variant.
Coding change: c.1271G>T on transcript NM_001004356.3 (MANE Select); coding-DNA position 1271, G replaced by T.
Protein change: p.Arg424Leu; replaces arginine 424 with leucine.
Molecular consequence: missense variant.
Genome position (GRCh38, 1-based): chr4:1,025,103, G>T. VCF-style: chr4-1025103-G-T. GRCh37 (hg19) VCF-style: chr4-1018891-G-T.
Other names: c.1271G>T, p.Arg424Leu (NM_001004358.1, NM_001370296.1, NM_021923.3); c.1271G>T (NM_001004356.2); short protein forms R424L.
Identifiers: ClinVar variation 1170311 (VCV001170311.10), dbSNP rs4647931, ClinGen allele CA2803056.

ClinVar aggregate classification (germline): Benign. Review status: criteria provided, multiple submitters, no conflicts (2 of 4 stars). 3 submissions from 3 submitters: Benign (2). 1 of the submissions does not count toward it. Last evaluated 2026-01-27.

Conditions:
FGFRL1-related disorder. Also called: FGFRL1-related condition.

Allele frequency attached by ClinVar (database versions not stated): 1000 Genomes Project 30x 0.00671; 1000 Genomes Project 0.00719; ESP Exome Variant Server 0.01969.
gnomAD v4.1: 34,823 of 1,610,698 alleles (2.2%); highest among the groups gnomAD compares: Non-Finnish European, 2.5%; 486 homozygotes.

Submissions (3):

Labcorp Genetics (formerly Invitae), Labcorp
Classification: Benign. Last evaluated: 2026-01-27. Review status: criteria provided, single submitter. Criteria: Invitae Variant Classification Sherloc (09022015). Collection method: clinical testing. Allele origin: germline.

Breakthrough Genomics
Classification: Benign. Review status: criteria provided, single submitter. Criteria: ACMG Guidelines, 2015. Collection method: not provided. Allele origin: germline. Inheritance: Unknown mechanism. Affected: yes.

PreventionGenetics, part of Exact Sciences
Classification: Benign for FGFRL1-related condition. Last evaluated: 2020-03-06. Review status: no assertion criteria provided. Collection method: clinical testing. Allele origin: germline. Not counted in ClinVar's aggregate classification.
Comment: This variant is classified as benign based on ACMG/AMP sequence variant interpretation guidelines (Richards et al. 2015 PMID: 25741868, with internal and published modifications).